The following is an entry in ClinVar:

ClinVar aggregate classification (germline): Benign/Likely benign. Review status: criteria provided, multiple submitters, no conflicts (2 of 4 stars). 3 submissions from 3 submitters: Benign (1); Likely benign (2). Last evaluated 2026-01-18.

Conditions:
CHARGE syndrome (CHARGE). Also called: CHARGE ASSOCIATION--COLOBOMA, HEART ANOMALY, CHOANAL ATRESIA, RETARDATION, GENITAL AND EAR ANOMALIES; Hittner Hirsch Kreh syndrome; Coloboma, heart anomaly, choanal atresia, retardation, genital and ear anomalies; CHARGE association; Hall-Hittner syndrome. Identifiers: Orphanet 138, MedGen C0265354, MONDO:0008965.

Allele frequency attached by ClinVar (database versions not stated): gnomAD exomes 0.00001 and 0.00005; ExAC 0.00004; gnomAD 0.00006; 1000 Genomes Project 0.00020; 1000 Genomes Project 30x 0.00016; TOPMed 0.00004.
gnomAD v4.1: 28 of 1,613,714 alleles (0.0017%); highest among the groups gnomAD compares: East Asian, 0.022%; no homozygotes.

Submissions (3):

Labcorp Genetics (formerly Invitae), Labcorp
Classification: Likely benign for CHARGE syndrome. Last evaluated: 2026-01-18. Review status: criteria provided, single submitter. Criteria: Invitae Variant Classification Sherloc (09022015). Collection method: clinical testing. Allele origin: germline.

CeGaT Center for Human Genetics Tuebingen
Classification: Likely benign. Last evaluated: 2024-08-01. Review status: criteria provided, single submitter. Criteria: CeGaT Center For Human Genetics Tuebingen Variant Classification Criteria Version 2. Collection method: clinical testing. Allele origin: germline. Affected: yes. Observed: 1 variant allele.
Comment: CHD7: BP4, BP7

Genetic Services Laboratory, University of Chicago
Classification: Benign. Last evaluated: 2013-02-08. Review status: criteria provided, single submitter. Criteria: ACMG Guidelines, 2007. Collection method: clinical testing. Allele origin: germline. Inheritance: Autosomal dominant inheritance.

NM_017780.4(CHD7):c.3126C>T (p.Asn1042=)

Gene: CHD7 (chromodomain helicase DNA binding protein 7; plus strand). Cytogenetic location: 8q12.2.
Variant type: single nucleotide variant.
Coding change: c.3126C>T on transcript NM_017780.4 (MANE Select); coding-DNA position 3126, C replaced by T.
Protein change: p.Asn1042=; no amino-acid change (asparagine 1042 retained).
Molecular consequence: synonymous variant. On other transcripts: intron variant (1).
Genome position (GRCh38, 1-based): chr8:60,822,671, C>T. VCF-style: chr8-60822671-C-T. GRCh37 (hg19) VCF-style: chr8-61735230-C-T.
Other names: c.3126C>T (LRG_176t1); c.1717-39558C>T (NM_001316690.1).
Identifiers: ClinVar variation 158288 (VCV000158288.30), dbSNP rs568551629, ClinGen allele CA171745.
Genomic context (GRCh38, chr8:60,822,671, plus strand): 5'-TGCCCCATTGTCCACAATCCCCAACTGGGAAAGGGAATTCCGAACCTGGACAGAGTTGAA[C>T]GTGGTTGTGTATCATGGGAGTCAAGCTAGTCGTCGGACCATTCAGTTGTATGAAATGTAC-3'
Protein context (NP_060250.2, residues 1032-1052): EREFRTWTEL[Asn1042=]VVVYHGSQAS